The following is an entry in ClinVar:

ClinVar aggregate classification (germline): Likely pathogenic (1 of 4 stars; one submission).

Conditions:
Autosomal recessive limb-girdle muscular dystrophy type 2J (LGMDR10). Also called: Limb-girdle muscular dystrophy, type 2J; MUSCULAR DYSTROPHY, LIMB-GIRDLE, AUTOSOMAL RECESSIVE 10. Identifiers: Orphanet 140922, MedGen C1837342, MONDO:0012127, OMIM 608807.
Dilated cardiomyopathy 1G (CMD1G). Identifiers: Orphanet 154, MedGen C1858763, MONDO:0011400, OMIM 604145.

Submission:

Labcorp Genetics (formerly Invitae), Labcorp
Classification: Likely pathogenic for Dilated cardiomyopathy 1G; Autosomal recessive limb-girdle muscular dystrophy type 2J. Last evaluated: 2025-12-24. Review status: criteria provided, single submitter. Criteria: Invitae Variant Classification Sherloc (09022015). Collection method: clinical testing. Allele origin: germline.
Comment: This sequence change creates a premature translational stop signal (p.Glu21142*) in the TTN gene. While this is not anticipated to result in nonsense mediated decay, it is expected to create a truncated TTN protein. This variant is not present in population databases (gnomAD no frequency). This variant has not been reported in the literature in individuals affected with TTN-related conditions. This variant is located in the A band of TTN (PMID: 25589632). Truncating variants in this region are significantly overrepresented in patients affected with dilated cardiomyopathy (PMID: 25589632). Truncating variants in this region have also been reported in individuals affected with autosomal recessive centronuclear myopathy (PMID: 23975875). In summary, the currently available evidence indicates that the variant is pathogenic, but additional data are needed to prove that conclusively. Therefore, this variant has been classified as Likely Pathogenic.

Literature cited by the submitters: PubMed 25589632; PubMed 23975875.

NM_001267550.2(TTN):c.63424G>T (p.Glu21142Ter)

Genes: TTN (titin; minus strand), TTN-AS1 (TTN antisense RNA 1; plus strand). Cytogenetic location: 2q31.2.
Variant type: single nucleotide variant.
Coding change: c.63424G>T on transcript NM_001267550.2 (MANE Select); coding-DNA position 63424, G replaced by T.
Protein change: p.Glu21142Ter; replaces glutamic acid 21142 with a stop codon.
Molecular consequence: nonsense.
Genome position (GRCh38, 1-based): chr2:178,587,983, C>A on the plus strand (G>T on the coding strand, the complement: TTN is on the minus strand). VCF-style: chr2-178587983-C-A. GRCh37 (hg19) VCF-style: chr2-179452710-C-A.
Other names: c.58501G>T, p.Glu19501Ter (NM_001256850.1); c.36229G>T, p.Glu12077Ter (NM_003319.4); c.55720G>T, p.Glu18574Ter (NM_133378.4); c.36604G>T, p.Glu12202Ter (NM_133432.3); c.36805G>T, p.Glu12269Ter (NM_133437.4); short protein forms E18574*, E21142*, E12077*, E19501*, E12202*, E12269*.
Identifiers: ClinVar variation 4787119 (VCV004787119.1).
Genomic context (GRCh38, chr2:178,587,983, plus strand): 5'-CTTCCTTTAGCTCTGCAGGGCGCCCAATACCAACTTGGTTTTGGGCACACACCCTGAACT[C>A]ATATTCCTGGTTTTCATCCAAGCTGGTAACAGTGAATTCCTTGCGTACAAGCTGTGCTGC-3'